The following is an entry in ClinVar:

ClinVar aggregate classification (germline): Conflicting classifications of pathogenicity. Review status: criteria provided, conflicting classifications (1 of 4 stars). 4 submissions from 4 submitters: Uncertain significance (3); Likely benign (1). Last evaluated 2025-07-30.

Conditions:
Inborn genetic diseases. Identifiers: MedGen C0950123, MeSH D030342.
Autosomal dominant cerebellar ataxia. Also called: Spinocerebellar Ataxia, Dominant. Identifiers: Orphanet 99, MedGen C4087347, MONDO:0020380.

Allele frequency attached by ClinVar (database versions not stated): gnomAD exomes 0.00002; ExAC 0.00003; TOPMed 0.00016.
gnomAD v4.1: 31 of 1,611,860 alleles (0.0019%); highest among the groups gnomAD compares: African/African-American, 0.041%; no homozygotes.

Submissions (4):

Labcorp Genetics (formerly Invitae), Labcorp
Classification: Uncertain significance. Last evaluated: 2025-07-30. Review status: criteria provided, single submitter. Criteria: Invitae Variant Classification Sherloc (09022015). Collection method: clinical testing. Allele origin: germline.
Comment: This sequence change replaces proline, which is neutral and non-polar, with alanine, which is neutral and non-polar, at codon 1148 of the ITPR1 protein (p.Pro1148Ala). This variant is present in population databases (rs773251870, gnomAD 0.03%). This variant has not been reported in the literature in individuals affected with ITPR1-related conditions. ClinVar contains an entry for this variant (Variation ID: 900106). Invitae Evidence Modeling of protein sequence and biophysical properties (such as structural, functional, and spatial information, amino acid conservation, physicochemical variation, residue mobility, and thermodynamic stability) indicates that this missense variant is not expected to disrupt ITPR1 protein function with a negative predictive value of 95%. In summary, the available evidence is currently insufficient to determine the role of this variant in disease. Therefore, it has been classified as a Variant of Uncertain Significance.

Ambry Genetics
Classification: Uncertain significance for Inborn genetic diseases. Last evaluated: 2025-05-20. Review status: criteria provided, single submitter. Criteria: Ambry Variant Classification Scheme 2023. Collection method: clinical testing. Allele origin: germline.

GeneDx
Classification: Uncertain significance. Last evaluated: 2022-07-13. Review status: criteria provided, single submitter. Criteria: GeneDx Variant Classification Process June 2021. Collection method: clinical testing. Allele origin: germline. Affected: yes.
Comment: In silico analysis supports that this missense variant does not alter protein structure/function; Has not been previously published as pathogenic or benign to our knowledge

Illumina Laboratory Services, Illumina
Classification: Likely benign for Spinocerebellar Ataxia, Dominant. Last evaluated: 2018-01-13. Review status: criteria provided, single submitter. Criteria: ICSL Variant Classification Criteria 13 December 2019. Collection method: clinical testing. Allele origin: germline.
Comment: This variant was observed in the ICSL laboratory as part of a predisposition screen in an ostensibly healthy population. It had not been previously curated by ICSL or reported in the Human Gene Mutation Database (HGMD: prior to June 1st, 2018), and was therefore a candidate for classification through an automated scoring system. Utilizing variant allele frequency, disease prevalence and penetrance estimates, and inheritance mode, an automated score was calculated to assess if this variant is too frequent to cause the disease. Based on the score and internal cut-off values, a variant classified as likely benign is not then subjected to further curation. The score for this variant resulted in a classification of likely benign for this disease.

NM_001378452.1(ITPR1):c.3514C>G (p.Pro1172Ala)

Gene: ITPR1 (inositol 1,4,5-trisphosphate receptor type 1; plus strand). Cytogenetic location: 3p26.1.
Variant type: single nucleotide variant.
Coding change: c.3514C>G on transcript NM_001378452.1 (MANE Select); coding-DNA position 3514, C replaced by G.
Protein change: p.Pro1172Ala; replaces proline 1172 with alanine.
Molecular consequence: missense variant.
Genome position (GRCh38, 1-based): chr3:4,684,296, C>G. VCF-style: chr3-4684296-C-G. GRCh37 (hg19) VCF-style: chr3-4725980-C-G.
Other names: c.3487C>G, p.Pro1163Ala (NM_001099952.4); c.3469C>G, p.Pro1157Ala (NM_001168272.2); c.3442C>G, p.Pro1148Ala (NM_002222.7); short protein forms P1163A, P1148A, P1157A, P1172A.
Identifiers: ClinVar variation 900106 (VCV000900106.11), dbSNP rs773251870, ClinGen allele CA2231716.